The following is an entry in ClinVar:

NM_002661.5(PLCG2):c.1329G>A (p.Ser443=)

Gene: PLCG2 (phospholipase C gamma 2; plus strand). Cytogenetic location: 16q23.3.
Variant type: single nucleotide variant.
Coding change: c.1329G>A on transcript NM_002661.5 (MANE Select); coding-DNA position 1329, G replaced by A.
Protein change: p.Ser443=; no amino-acid change (serine 443 retained).
Molecular consequence: synonymous variant.
Genome position (GRCh38, 1-based): chr16:81,900,747, G>A. VCF-style: chr16-81900747-G-A. GRCh37 (hg19) VCF-style: chr16-81934352-G-A.
Identifiers: ClinVar variation 1138307 (VCV001138307.32), dbSNP rs369281824, ClinGen allele CA8193691.

ClinVar aggregate classification (germline): Likely benign. Review status: criteria provided, multiple submitters, no conflicts (2 of 4 stars). 3 submissions from 3 submitters: Likely benign (3). Last evaluated 2025-10-27.

Conditions:
Familial cold autoinflammatory syndrome 3 (FCAS3). Also called: ANTIBODY DEFICIENCY AND IMMUNE DYSREGULATION, PLCG2-ASSOCIATED; FAMILIAL ATYPICAL COLD URTICARIA. Identifiers: Orphanet 300359, MedGen C3280914, MONDO:0013766, OMIM 614468.

Allele frequency attached by ClinVar (database versions not stated): gnomAD 0.00004 and 0.00003; ESP Exome Variant Server 0.00016; gnomAD exomes 0.00002; ExAC 0.00003.
gnomAD v4.1: 118 of 1,604,476 alleles (0.0074%); highest among the groups gnomAD compares: Non-Finnish European, 0.0093%; 1 homozygote.

Submissions (3):

Labcorp Genetics (formerly Invitae), Labcorp
Classification: Likely benign for Familial cold autoinflammatory syndrome 3. Last evaluated: 2025-10-27. Review status: criteria provided, single submitter. Criteria: Invitae Variant Classification Sherloc (09022015). Collection method: clinical testing. Allele origin: germline.

CeGaT Center for Human Genetics Tuebingen
Classification: Likely benign. Last evaluated: 2024-12-01. Review status: criteria provided, single submitter. Criteria: CeGaT Center For Human Genetics Tuebingen Variant Classification Criteria Version 2. Collection method: clinical testing. Allele origin: germline. Affected: yes. Observed: 2 variant alleles.
Comment: PLCG2: BP4, BP7

Blueprint Genetics
Classification: Likely benign. Last evaluated: 2024-07-15. Review status: criteria provided, single submitter. Criteria: ACMG Guidelines, 2015. Collection method: clinical testing. Allele origin: germline.